The following is an entry in ClinVar:

NM_198252.3(GSN):c.1274T>C (p.Ile425Thr)

Gene: GSN (gelsolin; plus strand). Cytogenetic location: 9q33.2.
Variant type: single nucleotide variant.
Coding change: c.1274T>C on transcript NM_198252.3 (MANE Select); coding-DNA position 1274, T replaced by C.
Protein change: p.Ile425Thr; replaces isoleucine 425 with threonine.
Molecular consequence: missense variant.
Genome position (GRCh38, 1-based): chr9:121,321,350, T>C. VCF-style: chr9-121321350-T-C. GRCh37 (hg19) VCF-style: chr9-124083628-T-C.
Other names: c.1427T>C, p.Ile476Thr (NM_000177.5); c.1274T>C, p.Ile425Thr (NM_001127662.2, NM_001127664.2, NM_001127665.2 and 10 more transcripts); c.1382T>C, p.Ile461Thr (NM_001127663.2); c.1307T>C, p.Ile436Thr (NM_001127666.2, NM_001127667.2, NM_001353063.2 and 13 more transcripts); c.1325T>C, p.Ile442Thr (NM_001258029.2); c.1298T>C, p.Ile433Thr (NM_001258030.2); c.1346T>C, p.Ile449Thr (NM_001353076.2); c.620T>C, p.Ile207Thr (NM_001353078.2); short protein forms I207T, I425T, I433T, I436T, I476T, I442T, I449T, I461T.
Identifiers: ClinVar variation 1772405 (VCV001772405.2), dbSNP rs2541041805, ClinGen allele CA374749933.
Genomic context (GRCh38, chr9:121,321,350, plus strand): 5'-ACAAGGTGCCCGTGGACCCTGCCACATATGGACAGTTCTATGGAGGCGACAGCTACATCA[T>C]TCTGTACAACTACCGCCATGGTGGCCGCCAGGGGCAGATAATCTATAACTGGTGAGGTTC-3'
Protein context (NP_937895.1, residues 415-435): GQFYGGDSYI[Ile425Thr]LYNYRHGGRQ

ClinVar aggregate classification (germline): Uncertain significance (1 of 4 stars; one submission).

Conditions:
Inborn genetic diseases. Identifiers: MedGen C0950123, MeSH D030342.

Submission:

Ambry Genetics
Classification: Uncertain significance for Inborn genetic diseases. Last evaluated: 2020-01-29. Review status: criteria provided, single submitter. Criteria: Ambry Variant Classification Scheme 2023. Collection method: clinical testing. Allele origin: germline.
Comment: The p.I476T variant (also known as c.1427T>C), located in coding exon 10 of the GSN gene, results from a T to C substitution at nucleotide position 1427. The isoleucine at codon 476 is replaced by threonine, an amino acid with similar properties. This amino acid position is highly conserved in available vertebrate species. In addition, this alteration is predicted to be deleterious by in silico analysis. Since supporting evidence is limited at this time, the clinical significance of this alteration remains unclear.